The following is an entry in ClinVar:

NM_017780.4(CHD7):c.8225A>G (p.Asn2742Ser)

Gene: CHD7 (chromodomain helicase DNA binding protein 7; plus strand). Cytogenetic location: 8q12.2.
Variant type: single nucleotide variant.
Coding change: c.8225A>G on transcript NM_017780.4 (MANE Select); coding-DNA position 8225, A replaced by G.
Protein change: p.Asn2742Ser; replaces asparagine 2742 with serine.
Molecular consequence: missense variant.
Genome position (GRCh38, 1-based): chr8:60,865,164, A>G. VCF-style: chr8-60865164-A-G. GRCh37 (hg19) VCF-style: chr8-61777723-A-G.
Other names: c.2078A>G, p.Asn693Ser (NM_001316690.1); short protein forms N2742S, N693S.
Identifiers: ClinVar variation 1700819 (VCV001700819.4), dbSNP rs1416636387, ClinGen allele CA371307811.
Genomic context (GRCh38, chr8:60,865,164, plus strand): 5'-AAAGTGAGATCGCCAGAGCAGCCGCGGCCGCCGCTGCTGTGGCCTCCACGTCAGGGATCA[A>G]CCCTTTGCTGGTGAACAGCCTGTTTGCTGGAATGGACCTGACGAGCCTTCAGAATCTCCA-3'
Protein context (NP_060250.2, residues 2732-2752): AAAVASTSGI[Asn2742Ser]PLLVNSLFAG

ClinVar aggregate classification (germline): Uncertain significance. Review status: criteria provided, multiple submitters, no conflicts (2 of 4 stars). 2 submissions from 2 submitters: Uncertain significance (2). Last evaluated 2023-05-11.

Allele frequency attached by ClinVar (database versions not stated): gnomAD exomes below 0.00001; gnomAD 0.00001.
gnomAD v4.1: 14 of 1,612,086 alleles (0.00087%); highest among the groups gnomAD compares: Admixed American, 0.0017%; no homozygotes.

Submissions (2):

Revvity Omics, Revvity
Classification: Uncertain significance. Last evaluated: 2023-05-11. Review status: criteria provided, single submitter. Criteria: ACMG Guidelines, 2015. Collection method: clinical testing. Allele origin: germline.

GeneDx
Classification: Uncertain significance. Last evaluated: 2022-02-15. Review status: criteria provided, single submitter. Criteria: GeneDx Variant Classification Process June 2021. Collection method: clinical testing. Allele origin: germline. Affected: yes.
Comment: Has not been previously published as pathogenic or benign to our knowledge; Not observed at significant frequency in large population cohorts (gnomAD); In silico analysis supports that this missense variant does not alter protein structure/function